The following is an entry in ClinVar:

ClinVar aggregate classification (germline): Conflicting classifications of pathogenicity. Review status: criteria provided, conflicting classifications (1 of 4 stars). 7 submissions from 6 submitters: Uncertain significance (5); Likely benign (2). Last evaluated 2026-01-01.

Conditions:
Cardiovascular phenotype. Identifiers: MedGen CN230736.
Hereditary cancer-predisposing syndrome. Also called: Tumor predisposition; Hereditary Cancer Syndrome; Hereditary neoplastic syndrome; Neoplastic Syndromes, Hereditary. Identifiers: Orphanet 140162, MedGen C0027672, MeSH D009386, MONDO:0015356.
Neurofibromatosis, type 1 (NF1). Also called: VON RECKLINGHAUSEN DISEASE; NEUROFIBROMATOSIS, TYPE I, SOMATIC; Peripheral type neurofibromatosis; Neurofibromatosis, type I. Identifiers: Orphanet 636, MedGen C0027831, MONDO:0018975, OMIM 162200. Disease mechanism: loss of function.

Allele frequency attached by ClinVar (database versions not stated): gnomAD 0.00001; gnomAD exomes 0.00001 and 0.00002; ExAC 0.00002; TOPMed 0.00002.
gnomAD v4.1: 14 of 1,613,622 alleles (0.00087%); highest among the groups gnomAD compares: East Asian, 0.0045%; no homozygotes.

Submissions (7):

Labcorp Genetics (formerly Invitae), Labcorp
Classification: Likely benign for Neurofibromatosis, type 1. Last evaluated: 2026-01-01. Review status: criteria provided, single submitter. Criteria: Invitae Variant Classification Sherloc (09022015). Collection method: clinical testing. Allele origin: germline.

Quest Diagnostics Nichols Institute San Juan Capistrano
Classification: Uncertain significance. Last evaluated: 2025-10-24. Review status: criteria provided, single submitter. Criteria: Quest Diagnostics criteria. Collection method: clinical testing. Allele origin: unknown.

Ambry Genetics
Classification: Likely benign for Cardiovascular phenotype; Hereditary cancer-predisposing syndrome. Last evaluated: 2023-05-11. Review status: criteria provided, single submitter. Criteria: Ambry Variant Classification Scheme 2023. Collection method: clinical testing. Allele origin: germline.

Genome-Nilou Lab
Classification: Uncertain significance for Neurofibromatosis, type 1. Last evaluated: 2022-03-15. Review status: criteria provided, single submitter. Criteria: ACMG Guidelines, 2015. Collection method: clinical testing. Allele origin: germline. Affected: no.

GeneDx
Classification: Uncertain significance. Last evaluated: 2022-03-02. Review status: criteria provided, single submitter. Criteria: GeneDx Variant Classification Process June 2021. Collection method: clinical testing. Allele origin: germline. Affected: yes.
Comment: In silico analysis supports that this missense variant does not alter protein structure/function; Has not been previously published as pathogenic or benign to our knowledge; This variant is associated with the following publications: (PMID: 25486365)

Women's Health and Genetics/Laboratory Corporation of America, LabCorp
Classification: Uncertain significance. Last evaluated: 2021-04-25. Review status: criteria provided, single submitter. Criteria: LabCorp Variant Classification Summary - May 2015. Collection method: clinical testing. Allele origin: germline.
Comment: Variant summary: NF1 c.7582T>C (p.Ser2528Pro) results in a non-conservative amino acid change in the encoded protein sequence. Three of five in-silico tools predict a benign effect of the variant on protein function. The variant allele was found at a frequency of 2.4e-05 in 251260 control chromosomes. The available data on variant occurrences in the general population are insufficient to allow any conclusion about variant significance. To our knowledge, no occurrence of c.7582T>C in individuals affected with Neurofibromatosis Type 1 and no experimental evidence demonstrating its impact on protein function have been reported. At-least one co-occurrence with another pathogenic variant has been observed at our laboratory (BRCA1, c.68_69del, p.Glu23fs), providing supporting evidence for a benign role. Two clinical diagnostic laboratories have submitted clinical-significance assessments for this variant to ClinVar after 2014 without evidence for independent evaluation. All laboratories classified the variant as uncertain significance. Based on the evidence outlined above, the variant was classified as uncertain significance.

Ambry Genetics
Classification: Uncertain significance for Hereditary cancer-predisposing syndrome. Last evaluated: 2015-12-06. Review status: criteria provided, single submitter. Criteria: Ambry Autosomal Dominant and X-Linked criteria (10/2015). Collection method: clinical testing. Allele origin: germline. Observed: 1 variant allele.
Comment: The p.S2549P variant (also known as c.7645T>C), located in coding exon 52 of the NF1 gene, results from a T to C substitution at nucleotide position 7645. The serine at codon 2549 is replaced by proline, an amino acid with similar properties. This variant was not reported in population based cohorts in the following databases: Database of Single Nucleotide Polymorphisms (dbSNP), NHLBI Exome Sequencing Project (ESP), and 1000 Genomes Project. In the ESP, this variant was not observed in 6503 samples (13006 alleles) with coverage at this position.<span style="background-color:initial">To date, this alteration has been detected with an allele frequency of approximately 0.001% (greater than 110000 alleles tested) in our clinical cohort. Based on protein sequence alignment, this amino acid position is highly conserved in available vertebrate species. In addition, the in silico prediction for this alteration is inconclusive. Since supporting evidence is limited at this time, the clinical significance of p.S2549P remains unclear.

NM_001042492.3(NF1):c.7645T>C (p.Ser2549Pro)

Gene: NF1 (neurofibromin 1; plus strand). Cytogenetic location: 17q11.2.
Variant type: single nucleotide variant.
Coding change: c.7645T>C on transcript NM_001042492.3 (MANE Select); coding-DNA position 7645, T replaced by C.
Protein change: p.Ser2549Pro; replaces serine 2549 with proline.
Molecular consequence: missense variant.
Genome position (GRCh38, 1-based): chr17:31,356,489, T>C. VCF-style: chr17-31356489-T-C. GRCh37 (hg19) VCF-style: chr17-29683507-T-C.
Other names: c.7582T>C, p.Ser2528Pro (NM_000267.4); short protein forms S2528P, S2549P.
Identifiers: ClinVar variation 185037 (VCV000185037.16), dbSNP rs767458044, ClinGen allele CA190838.